The following is an entry in ClinVar:

ClinVar aggregate classification (germline): Uncertain significance. Review status: criteria provided, multiple submitters, no conflicts (2 of 4 stars). 2 submissions from 2 submitters: Uncertain significance (2). Last evaluated 2025-03-26.

Conditions:
Inborn genetic diseases. Identifiers: MedGen C0950123, MeSH D030342.

Allele frequency attached by ClinVar (database versions not stated): gnomAD exomes below 0.00001.
gnomAD v4.1: 3 of 1,570,384 alleles (0.00019%); highest among the groups gnomAD compares: Middle Eastern, 0.017%; no homozygotes.

Submissions (2):

Ambry Genetics
Classification: Uncertain significance for Inborn genetic diseases. Last evaluated: 2025-03-26. Review status: criteria provided, single submitter. Criteria: Ambry Variant Classification Scheme 2023. Collection method: clinical testing. Allele origin: germline.

Labcorp Genetics (formerly Invitae), Labcorp
Classification: Uncertain significance. Last evaluated: 2022-05-13. Review status: criteria provided, single submitter. Criteria: Invitae Variant Classification Sherloc (09022015). Collection method: clinical testing. Allele origin: germline.
Comment: This sequence change replaces isoleucine, which is neutral and non-polar, with threonine, which is neutral and polar, at codon 280 of the DOCK6 protein (p.Ile280Thr). This variant is not present in population databases (gnomAD no frequency). This variant has not been reported in the literature in individuals affected with DOCK6-related conditions. Algorithms developed to predict the effect of missense changes on protein structure and function output the following: SIFT: "Tolerated"; PolyPhen-2: "Benign"; Align-GVGD: "Class C0". The threonine amino acid residue is found in multiple mammalian species, which suggests that this missense change does not adversely affect protein function. In summary, the available evidence is currently insufficient to determine the role of this variant in disease. Therefore, it has been classified as a Variant of Uncertain Significance.

NM_020812.4(DOCK6):c.839T>C (p.Ile280Thr)

Gene: DOCK6 (dedicator of cytokinesis 6; minus strand). Cytogenetic location: 19p13.2.
Variant type: single nucleotide variant.
Coding change: c.839T>C on transcript NM_020812.4 (MANE Select); coding-DNA position 839, T replaced by C.
Protein change: p.Ile280Thr; replaces isoleucine 280 with threonine.
Molecular consequence: missense variant.
Genome position (GRCh38, 1-based): chr19:11,245,846, A>G on the plus strand (T>C on the coding strand, the complement: DOCK6 is on the minus strand). VCF-style: chr19-11245846-A-G. GRCh37 (hg19) VCF-style: chr19-11356522-A-G.
Other names: c.839T>C, p.Ile280Thr (NM_001367830.1); c.839T>C (NM_020812.2); short protein forms I280T.
Identifiers: ClinVar variation 1929291 (VCV001929291.3), dbSNP rs2513171800, ClinGen allele CA404113015.